The following is an entry in ClinVar:

NM_002941.4(ROBO1):c.1537C>T (p.Arg513Ter)

Gene: ROBO1 (roundabout guidance receptor 1; minus strand). Cytogenetic location: 3p12.3.
Variant type: single nucleotide variant.
Coding change: c.1537C>T on transcript NM_002941.4 (MANE Select); coding-DNA position 1537, C replaced by T.
Protein change: p.Arg513Ter; replaces arginine 513 with a stop codon.
Molecular consequence: nonsense.
Genome position (GRCh38, 1-based): chr3:78,670,107, G>A on the plus strand (C>T on the coding strand, the complement: ROBO1 is on the minus strand). VCF-style: chr3-78670107-G-A. GRCh37 (hg19) VCF-style: chr3-78719257-G-A.
Other names: c.1429C>T, p.Arg477Ter (NM_001145845.2, NM_133631.4); short protein forms R477*, R513*.
Identifiers: ClinVar variation 4278193 (VCV004278193.2).

ClinVar aggregate classification (germline): Likely pathogenic. Review status: criteria provided, multiple submitters, no conflicts (2 of 4 stars). 2 submissions from 2 submitters: Likely pathogenic (2). Last evaluated 2025-09-10.

Conditions:
Neurooculorenal syndrome (NORS). Identifiers: MedGen C5830377, MONDO:0957210, OMIM 620305.

Submissions (2):

Genomic Medicine Center of Excellence, King Faisal Specialist Hospital and Research Centre
Classification: Likely pathogenic for Neurooculorenal syndrome. Last evaluated: 2025-09-10. Review status: criteria provided, single submitter. Criteria: ACMG Guidelines, 2015. Collection method: clinical testing. Allele origin: germline.

3billion
Classification: Likely pathogenic for Neurooculorenal syndrome. Last evaluated: 2024-06-20. Review status: criteria provided, single submitter. Criteria: ACMG Guidelines, 2015. Collection method: clinical testing. Allele origin: germline. Affected: yes.
Comment: The variant is observed at an extremely low frequency in the gnomAD v4.0.0 dataset (total allele frequency: <0.001%). Predicted Consequence/Location: Stop-gained (nonsense): predicted to result in a loss or disruption of normal protein function through nonsense-mediated decay (NMD) or protein truncation. Multiple pathogenic variants are reported downstream of the variant. Therefore, this variant is classified as Likely pathogenic according to the recommendation of ACMG/AMP guideline.